The following is an entry in ClinVar:

NM_015346.4(ZFYVE26):c.*365A>G

Gene: ZFYVE26 (zinc finger FYVE-type containing 26; minus strand). Cytogenetic location: 14q24.1.
Variant type: single nucleotide variant.
Coding change: c.*365A>G on transcript NM_015346.4 (MANE Select); 365 bases downstream of the stop codon, A replaced by G.
Molecular consequence: 3 prime UTR variant.
Genome position (GRCh38, 1-based): chr14:67,748,071, T>C on the plus strand (A>G on the coding strand, the complement: ZFYVE26 is on the minus strand). VCF-style: chr14-67748071-T-C. GRCh37 (hg19) VCF-style: chr14-68214788-T-C.
Identifiers: ClinVar variation 313866 (VCV000313866.6), dbSNP rs12879105, ClinGen allele CA10645780.
Genomic context (GRCh38, chr14:67,748,071, plus strand): 5'-CAAACAGGACAACCCGGGTCAAGAACCAAAACGCAGGGAAGGTTTTCAGAGTGGCAAGTC[T>C]AAAGTAAAGTGCCTCTTTTAAATGGAGAAGAGTTTCATTTGTTCAGAAATGCTTGGGCGT-3'

ClinVar aggregate classification (germline): Benign. Review status: criteria provided, multiple submitters, no conflicts (2 of 4 stars). 2 submissions from 2 submitters: Benign (2). Last evaluated 2018-01-13.

Conditions:
Hereditary spastic paraplegia 15 (SPG15). Also called: SPASTIC PARAPLEGIA 15, AUTOSOMAL RECESSIVE; KJELLIN SYNDROME; SPASTIC PARAPLEGIA AND RETINAL DEGENERATION. Identifiers: Orphanet 100996, MedGen C1849128, MONDO:0010044, OMIM 270700.

Allele frequency attached by ClinVar (database versions not stated): gnomAD 0.41164 and 0.42193; gnomAD exomes 0.42244; TOPMed 0.42659; 1000 Genomes Project 30x 0.49141; 1000 Genomes Project 0.49401.
gnomAD v4.1: 114,464 of 270,926 alleles (42%); highest among the groups gnomAD compares: South Asian, 60%; 25,357 homozygotes.

Submissions (2):

Illumina Laboratory Services, Illumina
Classification: Benign for Hereditary spastic paraplegia 15. Last evaluated: 2018-01-13. Review status: criteria provided, single submitter. Criteria: ICSL Variant Classification Criteria 13 December 2019. Collection method: clinical testing. Allele origin: germline.
Comment: This variant was observed in the ICSL laboratory as part of a predisposition screen in an ostensibly healthy population. It had not been previously curated by ICSL or reported in the Human Gene Mutation Database (HGMD: prior to June 1st, 2018), and was therefore a candidate for classification through an automated scoring system. Utilizing variant allele frequency, disease prevalence and penetrance estimates, and inheritance mode, an automated score was calculated to assess if this variant is too frequent to cause the disease. Based on the score and internal cut-off values, a variant classified as benign is not then subjected to further curation. The score for this variant resulted in a classification of benign for this disease.

Breakthrough Genomics
Classification: Benign. Review status: criteria provided, single submitter. Criteria: ACMG Guidelines, 2015. Collection method: not provided. Allele origin: germline. Inheritance: Autosomal recessive inheritance. Affected: yes.